The following is an entry in ClinVar:

NM_003907.3(EIF2B5):c.1654+1G>T

Gene: EIF2B5 (eukaryotic translation initiation factor 2B subunit epsilon; plus strand). Cytogenetic location: 3q27.1.
Variant type: single nucleotide variant.
Coding change: c.1654+1G>T on transcript NM_003907.3 (MANE Select); the canonical splice donor site of the intron after coding-DNA position 1654, G replaced by T.
Molecular consequence: splice donor variant.
Genome position (GRCh38, 1-based): chr3:184,142,887, G>T. VCF-style: chr3-184142887-G-T. GRCh37 (hg19) VCF-style: chr3-183860675-G-T.
Identifiers: ClinVar variation 1525519 (VCV001525519.6), dbSNP rs2109010973, ClinGen allele CA355392136.

ClinVar aggregate classification (germline): Likely pathogenic (1 of 4 stars; one submission).

Submission:

Labcorp Genetics (formerly Invitae), Labcorp
Classification: Likely pathogenic. Last evaluated: 2024-12-09. Review status: criteria provided, single submitter. Criteria: Invitae Variant Classification Sherloc (09022015). Collection method: clinical testing. Allele origin: germline.
Comment: This sequence change affects a donor splice site in intron 11 of the EIF2B5 gene. It is expected to disrupt RNA splicing. Variants that disrupt the donor or acceptor splice site typically lead to a loss of protein function (PMID: 16199547), and loss-of-function variants in EIF2B5 are known to be pathogenic (PMID: 11704758, 15060152, 21307862). This variant is not present in population databases (gnomAD no frequency). This variant has not been reported in the literature in individuals affected with EIF2B5-related conditions. ClinVar contains an entry for this variant (Variation ID: 1525519). Algorithms developed to predict the effect of sequence changes on RNA splicing suggest that this variant may disrupt the consensus splice site. In summary, the currently available evidence indicates that the variant is pathogenic, but additional data are needed to prove that conclusively. Therefore, this variant has been classified as Likely Pathogenic.

Literature cited by the submitters: PubMed 16199547; PubMed 11704758; PubMed 15060152; PubMed 21307862.